The following is an entry in ClinVar:

ClinVar aggregate classification (germline): Likely benign (1 of 4 stars; one submission).

Allele frequency attached by ClinVar (database versions not stated): gnomAD 0.00005; gnomAD exomes 0.00008; TOPMed 0.00008.

Submission:

CeGaT Center for Human Genetics Tuebingen
Classification: Likely benign. Last evaluated: 2022-08-01. Review status: criteria provided, single submitter. Criteria: CeGaT Center For Human Genetics Tuebingen Variant Classification Criteria Version 2. Collection method: clinical testing. Allele origin: germline. Affected: yes. Observed: 2 variant alleles.
Comment: ZXDB: BP4, BP7

NM_007157.4(ZXDB):c.795C>T (p.Gly265=)

Genes: ZXDB (zinc finger X-linked duplicated B; plus strand), LOC130068357 (ATAC-STARR-seq lymphoblastoid silent region 20872; plus strand). Cytogenetic location: Xp11.21.
Variant type: single nucleotide variant.
Coding change: c.795C>T on transcript NM_007157.4 (MANE Select); coding-DNA position 795, C replaced by T.
Protein change: p.Gly265=; no amino-acid change (glycine 265 retained).
Molecular consequence: synonymous variant.
Genome position (GRCh38, 1-based): chrX:57,592,843, C>T. VCF-style: chrX-57592843-C-T. GRCh37 (hg19) VCF-style: chrX-57619276-C-T.
Identifiers: ClinVar variation 2660729 (VCV002660729.24), dbSNP rs749813110, ClinGen allele CA10431159.